The following is an entry in ClinVar:

NM_001852.4(COL9A2):c.186+5G>C

Gene: COL9A2 (collagen type IX alpha 2 chain; minus strand). Cytogenetic location: 1p34.2.
Variant type: single nucleotide variant.
Coding change: c.186+5G>C on transcript NM_001852.4 (MANE Select); 5 bases into the intron after coding-DNA position 186, G replaced by C.
Molecular consequence: intron variant.
Genome position (GRCh38, 1-based): chr1:40,314,347, C>G on the plus strand (G>C on the coding strand, the complement: COL9A2 is on the minus strand). VCF-style: chr1-40314347-C-G. GRCh37 (hg19) VCF-style: chr1-40780019-C-G.
Other names: IVS3DS, G-C, +5.
Identifiers: ClinVar variation 17144 (VCV000017144.3), dbSNP rs1569763108, ClinGen allele CA913189125.

ClinVar aggregate classification (germline): Pathogenic. Review status: criteria provided, single submitter (1 of 4 stars). 2 submissions from 2 submitters: Pathogenic (1). 1 of the submissions does not count toward it. Last evaluated 2024-10-30.

Conditions:
Epiphyseal dysplasia, multiple, 2 (EDM2). Also called: COL9A2-Related Multiple Epiphyseal Dysplasia. Identifiers: MedGen C1838429, MONDO:0010844, OMIM 600204.

Submissions (2):

Labcorp Genetics (formerly Invitae), Labcorp
Classification: Pathogenic. Last evaluated: 2024-10-30. Review status: criteria provided, single submitter. Criteria: Invitae Variant Classification Sherloc (09022015). Collection method: clinical testing. Allele origin: germline.
Comment: This sequence change falls in intron 3 of the COL9A2 gene. It does not directly change the encoded amino acid sequence of the COL9A2 protein. It affects a nucleotide within the consensus splice site. This variant is not present in population databases (gnomAD no frequency). This variant has been observed in individual(s) with autosomal dominant epiphyseal dysplasia (PMID: 10364514). It has also been observed to segregate with disease in related individuals. ClinVar contains an entry for this variant (Variation ID: 17144). Variants that disrupt the consensus splice site are a relatively common cause of aberrant splicing (PMID: 17576681, 9536098). Algorithms developed to predict the effect of sequence changes on RNA splicing suggest that this variant may disrupt the consensus splice site. Other variant(s) that result in skipping of exon 3 have been determined to be pathogenic (PMID: 10364514, 20358595, 21922596). This suggests that this variant may also be clinically significant and likely to be disease-causing. For these reasons, this variant has been classified as Pathogenic.

OMIM
Classification: Pathogenic for EPIPHYSEAL DYSPLASIA, MULTIPLE, 2. Last evaluated: 1999-07-01. Review status: no assertion criteria provided. Collection method: literature only. Allele origin: germline. Not counted in ClinVar's aggregate classification.

Literature cited by the submitters: PubMed 10364514 (cited by Labcorp Genetics (formerly Invitae), Labcorp and OMIM); PubMed 17576681 (cited by Labcorp Genetics (formerly Invitae), Labcorp); PubMed 9536098 (cited by Labcorp Genetics (formerly Invitae), Labcorp); PubMed 20358595 (cited by Labcorp Genetics (formerly Invitae), Labcorp); PubMed 21922596 (cited by Labcorp Genetics (formerly Invitae), Labcorp).